The following is an entry in ClinVar:

ClinVar aggregate classification (germline): Uncertain significance (1 of 4 stars; one submission).

Conditions:
Neurodevelopmental disorder with central hypotonia and dysmorphic facies (NEDCHF). Identifiers: MedGen C5676944, MONDO:0859232, OMIM 619797.

Submission:

3billion
Classification: Uncertain significance for Neurodevelopmental disorder with central hypotonia and dysmorphic facies. Last evaluated: 2023-11-07. Review status: criteria provided, single submitter. Criteria: ACMG Guidelines, 2015. Collection method: clinical testing. Allele origin: germline. Affected: yes.
Comment: The variant is not observed in the gnomAD v2.1.1 dataset. Predicted Consequence/Location: Intron variant In silico tools predict the variant to alter splicing and produce an abnormal transcript [SpliceAI: 0.96 (>=0.2, moderate evidence for spliceogenicity)]. Therefore, this variant is classified as VUS according to the recommendation of ACMG/AMP guideline.

NM_001378414.1(HDAC4):c.1295-11A>G

Gene: HDAC4 (histone deacetylase 4; minus strand). Cytogenetic location: 2q37.3.
Variant type: single nucleotide variant.
Coding change: c.1295-11A>G on transcript NM_001378414.1 (MANE Select); 11 bases into the intron before coding-DNA position 1295, A replaced by G.
Molecular consequence: intron variant.
Genome position (GRCh38, 1-based): chr2:239,126,705, T>C on the plus strand (A>G on the coding strand, the complement: HDAC4 is on the minus strand). VCF-style: chr2-239126705-T-C. GRCh37 (hg19) VCF-style: chr2-240048401-T-C.
Other names: c.1295-26A>G (NM_001378417.1, NM_001378416.1, NM_006037.4); c.1295-11A>G (NM_001378415.1).
Identifiers: ClinVar variation 3775224 (VCV003775224.1).